The following is an entry in ClinVar:

ClinVar aggregate classification (germline): Conflicting classifications of pathogenicity. Review status: criteria provided, conflicting classifications (1 of 4 stars). 4 submissions from 4 submitters: Uncertain significance (1); Benign (1); Likely benign (1). 1 of the submissions does not count toward it. Last evaluated 2025-11-22.

Conditions:
SOX10-related disorder. Also called: SOX10-related condition.

Allele frequency attached by ClinVar (database versions not stated): gnomAD exomes 0.00013; gnomAD 0.00007; ExAC 0.00003.

Submissions (5):

Labcorp Genetics (formerly Invitae), Labcorp
Classification: Benign. Last evaluated: 2025-11-22. Review status: criteria provided, single submitter. Criteria: Invitae Variant Classification Sherloc (09022015). Collection method: clinical testing. Allele origin: germline.

Mayo Clinic Laboratories, Mayo Clinic
Classification: Uncertain significance. Last evaluated: 2025-05-02. Review status: criteria provided, single submitter. Criteria: ACMG Guidelines, 2015. Collection method: clinical testing. Allele origin: germline. Observed: 1 variant allele.
Comment: BS2

Blueprint Genetics
Classification: Likely benign. Last evaluated: 2023-05-03. Review status: criteria provided, single submitter. Criteria: ACMG Guidelines, 2015. Collection method: clinical testing. Allele origin: germline.

PreventionGenetics, part of Exact Sciences
Classification: Uncertain significance for SOX10-related condition. Last evaluated: 2024-04-03. Review status: no assertion criteria provided. Collection method: clinical testing. Allele origin: germline. Not counted in ClinVar's aggregate classification.
Comment: The SOX10 c.1284G>T variant is predicted to result in the amino acid substitution p.Met428Ile. To our knowledge, this variant has not been reported in the literature. This variant is reported in 0.010% of alleles in individuals of European (Non-Finnish) descent in gnomAD. At this time, the clinical significance of this variant is uncertain due to the absence of conclusive functional and genetic evidence.

Dr. Peter K. Rogan Lab, Western University
No classification provided (evidence only). Condition: Melanoma. Review status: no classification provided. Collection method: in vitro. Allele origin: not applicable. Functional consequence: retained intron. Not counted in ClinVar's aggregate classification.

Literature cited by the submitters: PubMed 38623954 (cited by Mayo Clinic Laboratories, Mayo Clinic).

NM_006941.4(SOX10):c.1284G>T (p.Met428Ile)

Genes: POLR2F (RNA polymerase II, I and III subunit F; plus strand), SOX10 (SRY-box transcription factor 10; minus strand). Cytogenetic location: 22q13.1.
Variant type: single nucleotide variant.
Coding change: c.1284G>T on transcript NM_006941.4 (MANE Select); coding-DNA position 1284, G replaced by T.
Protein change: p.Met428Ile; replaces methionine 428 with isoleucine.
Molecular consequence: missense variant. On other transcripts: intron variant (3).
Genome position (GRCh38, 1-based): chr22:37,973,612, C>A on the plus strand (G>T on the coding strand, the complement: SOX10 is on the minus strand). VCF-style: chr22-37973612-C-A. GRCh37 (hg19) VCF-style: chr22-38369619-C-A.
Other names: p.Met428Ile; c.*38+1302C>A (NM_001363825.1); c.293+6442C>A (NM_001301130.2, NM_001301131.2); short protein forms M428I.
Identifiers: ClinVar variation 2046699 (VCV002046699.6), dbSNP rs777737385, ClinGen allele CA10228501.